The following is an entry in ClinVar:

NM_000535.7(PMS2):c.1962T>A (p.Pro654=)

Gene: PMS2 (PMS1 homolog 2, mismatch repair system component; minus strand). Cytogenetic location: 7p22.1.
Variant type: single nucleotide variant.
Coding change: c.1962T>A on transcript NM_000535.7 (MANE Select); coding-DNA position 1962, T replaced by A.
Protein change: p.Pro654=; no amino-acid change (proline 654 retained).
Molecular consequence: synonymous variant. On other transcripts: non-coding transcript variant (1), intron variant (1).
Genome position (GRCh38, 1-based): chr7:5,986,803, A>T on the plus strand (T>A on the coding strand, the complement: PMS2 is on the minus strand). VCF-style: chr7-5986803-A-T. GRCh37 (hg19) VCF-style: chr7-6026434-A-T.
Other names: c.1557T>A, p.Pro519= (NM_001322003.2, NM_001322004.2, NM_001322005.2 and 16 more transcripts); c.1806T>A, p.Pro602= (NM_001322006.2, NM_001406870.1); c.1644T>A, p.Pro548= (NM_001322007.2, NM_001322008.2, NM_001406876.1 and 2 more transcripts); c.1401T>A, p.Pro467= (NM_001322010.2, NM_001406906.1, NM_001406907.1); c.1029T>A, p.Pro343= (NM_001322011.2, NM_001322012.2); c.1389T>A, p.Pro463= (NM_001322013.2, NM_001406909.1); c.1962T>A, p.Pro654= (NM_001322014.2, NM_001406871.1, NM_001406872.1); c.1653T>A, p.Pro551= (NM_001322015.2, NM_001406875.1, NM_001406877.1 and 5 more transcripts); and 13 more.
Identifiers: ClinVar variation 3903623 (VCV003903623.2).

ClinVar aggregate classification (germline): Benign/Likely benign. Review status: criteria provided, multiple submitters, no conflicts (2 of 4 stars). 2 submissions from 2 submitters: Benign (1); Likely benign (1). Last evaluated 2025-10-27.

Conditions:
Lynch syndrome 4 (LYNCH4). Also called: Hereditary non-polyposis colorectal cancer, type 4; Colorectal cancer, hereditary nonpolyposis, type 4. Identifiers: Orphanet 144, MedGen C1838333, MONDO:0013699, OMIM 614337. Disease mechanism: loss of function.
Hereditary nonpolyposis colorectal neoplasms. Identifiers: MedGen C0009405, MeSH D003123.

Submissions (2):

Labcorp Genetics (formerly Invitae), Labcorp
Classification: Likely benign for Hereditary nonpolyposis colorectal neoplasms. Last evaluated: 2025-10-27. Review status: criteria provided, single submitter. Criteria: Invitae Variant Classification Sherloc (09022015). Collection method: clinical testing. Allele origin: germline.

Myriad Genetics, Inc.
Classification: Benign for Lynch syndrome 4. Last evaluated: 2025-02-03. Review status: criteria provided, single submitter. Criteria: Myriad Autosomal Dominant, Autosomal Recessive and X-Linked Classification Criteria (2023). Collection method: clinical testing. Allele origin: unknown.
Comment: This variant is considered benign. This variant is a silent/synonymous amino acid change and it is not expected to impact splicing.